The following is an entry in ClinVar:

ClinVar aggregate classification (germline): Uncertain significance. Review status: criteria provided, multiple submitters, no conflicts (2 of 4 stars). 2 submissions from 2 submitters: Uncertain significance (2). Last evaluated 2022-02-03.

Conditions:
Charcot-Marie-Tooth disease type 2. Also called: Charcot-Marie-Tooth type 2. Identifiers: Orphanet 64746, MedGen C0270914, MONDO:0018993.
Hereditary motor and sensory neuropathy with optic atrophy. Also called: CHARCOT-MARIE-TOOTH DISEASE, TYPE 6; PERIPHERAL NEUROPATHY AND OPTIC ATROPHY. Identifiers: Orphanet 90120, MedGen C0393807, MONDO:0019551.

Submissions (2):

Labcorp Genetics (formerly Invitae), Labcorp
Classification: Uncertain significance for Charcot-Marie-Tooth disease type 2. Last evaluated: 2022-02-03. Review status: criteria provided, single submitter. Criteria: Invitae Variant Classification Sherloc (09022015). Collection method: clinical testing. Allele origin: germline.
Comment: In summary, the available evidence is currently insufficient to determine the role of this variant in disease. Therefore, it has been classified as a Variant of Uncertain Significance. Advanced modeling of protein sequence and biophysical properties (such as structural, functional, and spatial information, amino acid conservation, physicochemical variation, residue mobility, and thermodynamic stability) performed at Invitae indicates that this missense variant is not expected to disrupt MFN2 protein function. ClinVar contains an entry for this variant (Variation ID: 930428). This variant has not been reported in the literature in individuals affected with MFN2-related conditions. This variant is not present in population databases (gnomAD no frequency). This sequence change replaces serine, which is neutral and polar, with threonine, which is neutral and polar, at codon 593 of the MFN2 protein (p.Ser593Thr).

Centre for Mendelian Genomics, University Medical Centre Ljubljana
Classification: Uncertain significance for Neuropathy, hereditary motor and sensory, type 6A. Last evaluated: 2019-03-01. Review status: criteria provided, single submitter. Criteria: ACMG Guidelines, 2015. Collection method: clinical testing. Allele origin: unknown. Affected: yes.
Comment: This variant was classified as: Uncertain significance. The available evidence on this variant's pathogenicity is insufficient or conflicting. The following ACMG criteria were applied in classifying this variant: PM2. This variant was detected in homozygous state.

NM_014874.4(MFN2):c.1777T>A (p.Ser593Thr)

Gene: MFN2 (mitofusin 2; plus strand). Cytogenetic location: 1p36.22.
Variant type: single nucleotide variant.
Coding change: c.1777T>A on transcript NM_014874.4 (MANE Select); coding-DNA position 1777, T replaced by A.
Protein change: p.Ser593Thr; replaces serine 593 with threonine.
Molecular consequence: missense variant.
Genome position (GRCh38, 1-based): chr1:12,006,598, T>A. VCF-style: chr1-12006598-T-A. GRCh37 (hg19) VCF-style: chr1-12066655-T-A.
Other names: c.1777T>A, p.Ser593Thr (NM_001127660.2); short protein forms S593T.
Identifiers: ClinVar variation 930428 (VCV000930428.14), dbSNP rs1639429397, ClinGen allele CA338448610.